The following is an entry in ClinVar:

ClinVar aggregate classification (germline): Benign/Likely benign. Review status: criteria provided, multiple submitters, no conflicts (2 of 4 stars). 4 submissions from 4 submitters: Benign (2); Likely benign (2). Last evaluated 2026-01-28.

Conditions:
Hypotonia, infantile, with psychomotor retardation and characteristic facies 2 (IHPRF2). Also called: UNC80 Deficiency. Identifiers: Orphanet 371364, Orphanet 700333, MedGen C4225203, MONDO:0014777, OMIM 616801.

Allele frequency attached by ClinVar (database versions not stated): gnomAD exomes 0.00071; ExAC 0.00128; ESP Exome Variant Server 0.00350; gnomAD 0.00404; TOPMed 0.00424; 1000 Genomes Project 0.00479; 1000 Genomes Project 30x 0.00484.
gnomAD v4.1: 1,153 of 1,534,392 alleles (0.075%); highest among the groups gnomAD compares: African/African-American, 1.3%; 6 homozygotes.

Submissions (4):

Labcorp Genetics (formerly Invitae), Labcorp
Classification: Benign. Last evaluated: 2026-01-28. Review status: criteria provided, single submitter. Criteria: Invitae Variant Classification Sherloc (09022015). Collection method: clinical testing. Allele origin: germline.

CeGaT Center for Human Genetics Tuebingen
Classification: Likely benign. Last evaluated: 2025-07-01. Review status: criteria provided, single submitter. Criteria: CeGaT Center For Human Genetics Tuebingen Variant Classification Criteria Version 2. Collection method: clinical testing. Allele origin: germline. Affected: yes. Observed: 2 variant alleles.
Comment: UNC80: BP4, BS1

ARUP Laboratories, Molecular Genetics and Genomics, ARUP Laboratories
Classification: Benign for Hypotonia, infantile, with psychomotor retardation and characteristic facies 2. Last evaluated: 2024-11-14. Review status: criteria provided, single submitter. Criteria: ARUP Molecular Germline Variant Investigation Process 2024. Collection method: clinical testing. Allele origin: germline.

Blueprint Genetics
Classification: Likely benign. Last evaluated: 2024-06-28. Review status: criteria provided, single submitter. Criteria: ACMG Guidelines, 2015. Collection method: clinical testing. Allele origin: germline.

NM_001371986.1(UNC80):c.4890+7T>G

Gene: UNC80 (unc-80 subunit of NALCN channel complex; plus strand). Cytogenetic location: 2q34.
Variant type: single nucleotide variant.
Coding change: c.4890+7T>G on transcript NM_001371986.1 (MANE Select); 7 bases into the intron after coding-DNA position 4890, T replaced by G.
Molecular consequence: intron variant.
Genome position (GRCh38, 1-based): chr2:209,912,674, T>G. VCF-style: chr2-209912674-T-G. GRCh37 (hg19) VCF-style: chr2-210777398-T-G.
Other names: c.4692+7T>G (NM_032504.2); c.4677+7T>G (NM_182587.4).
Identifiers: ClinVar variation 720913 (VCV000720913.36), dbSNP rs113342352, ClinGen allele CA2083235.